The following is an entry in ClinVar:

NM_002047.4(GARS1):c.842T>A (p.Met281Lys)

Gene: GARS1 (glycyl-tRNA synthetase 1; plus strand). Cytogenetic location: 7p14.3.
Variant type: single nucleotide variant.
Coding change: c.842T>A on transcript NM_002047.4 (MANE Select); coding-DNA position 842, T replaced by A.
Protein change: p.Met281Lys; replaces methionine 281 with lysine.
Molecular consequence: missense variant.
Genome position (GRCh38, 1-based): chr7:30,609,691, T>A. VCF-style: chr7-30609691-T-A. GRCh37 (hg19) VCF-style: chr7-30649307-T-A.
Other names: c.680T>A, p.Met227Lys (NM_001316772.1); short protein forms M227K, M281K.
Identifiers: ClinVar variation 1035216 (VCV001035216.8), dbSNP rs1791558334, ClinGen allele CA367124579.

ClinVar aggregate classification (germline): Uncertain significance (1 of 4 stars; one submission).

Conditions:
Charcot-Marie-Tooth disease type 2. Also called: Charcot-Marie-Tooth type 2. Identifiers: Orphanet 64746, MedGen C0270914, MONDO:0018993.

Submission:

Labcorp Genetics (formerly Invitae), Labcorp
Classification: Uncertain significance for Charcot-Marie-Tooth disease type 2. Last evaluated: 2025-06-08. Review status: criteria provided, single submitter. Criteria: Invitae Variant Classification Sherloc (09022015). Collection method: clinical testing. Allele origin: germline.
Comment: This sequence change replaces methionine, which is neutral and non-polar, with lysine, which is basic and polar, at codon 281 of the GARS protein (p.Met281Lys). This variant is not present in population databases (gnomAD no frequency). This missense change has been observed in individual(s) with Charcot-Marie-Tooth disease (PMID: 32376792). ClinVar contains an entry for this variant (Variation ID: 1035216). Invitae Evidence Modeling of protein sequence and biophysical properties (such as structural, functional, and spatial information, amino acid conservation, physicochemical variation, residue mobility, and thermodynamic stability) indicates that this missense variant is expected to disrupt GARS protein function with a positive predictive value of 80%. In summary, the available evidence is currently insufficient to determine the role of this variant in disease. Therefore, it has been classified as a Variant of Uncertain Significance.

Literature cited by the submitters: PubMed 32376792.